The following is an entry in ClinVar:

ClinVar aggregate classification (germline): Benign/Likely benign. Review status: criteria provided, multiple submitters, no conflicts (2 of 4 stars). 6 submissions from 6 submitters: Benign (3); Likely benign (2). 1 of the submissions does not count toward it. Last evaluated 2025-10-28.

Conditions:
DNMT3A-related disorder. Also called: DNMT3A-related disorders; DNMT3A-related condition.
Tatton-Brown-Rahman overgrowth syndrome. Also called: Tatton-Brown-Rahman syndrome; Tall stature-intellectual disability-facial dysmorphism syndrome. Identifiers: Orphanet 404443, MedGen C4014545, MONDO:0014382, OMIM 615879.
Inborn genetic diseases. Identifiers: MedGen C0950123, MeSH D030342.

Allele frequency attached by ClinVar (database versions not stated): gnomAD exomes 0.00010 and 0.00025; ExAC 0.00035; ESP Exome Variant Server 0.00100; gnomAD 0.00129 and 0.00138; TOPMed 0.00145; 1000 Genomes Project 0.00160; 1000 Genomes Project 30x 0.00219.
gnomAD v4.1: 353 of 1,613,874 alleles (0.022%); highest among the groups gnomAD compares: African/African-American, 0.42%; 2 homozygotes.

Submissions (6):

Labcorp Genetics (formerly Invitae), Labcorp
Classification: Benign for Tatton-Brown-Rahman overgrowth syndrome. Last evaluated: 2025-10-28. Review status: criteria provided, single submitter. Criteria: Invitae Variant Classification Sherloc (09022015). Collection method: clinical testing. Allele origin: germline.

Ambry Genetics
Classification: Likely benign for Inborn genetic diseases. Last evaluated: 2024-11-22. Review status: criteria provided, single submitter. Criteria: Ambry Variant Classification Scheme 2023. Collection method: clinical testing. Allele origin: germline.

CeGaT Center for Human Genetics Tuebingen
Classification: Likely benign. Last evaluated: 2024-04-01. Review status: criteria provided, single submitter. Criteria: CeGaT Center For Human Genetics Tuebingen Variant Classification Criteria Version 2. Collection method: clinical testing. Allele origin: germline. Affected: yes. Observed: 1 variant allele.
Comment: DNMT3A: BP4, BP7

GeneDx
Classification: Benign. Last evaluated: 2019-07-10. Review status: criteria provided, single submitter. Criteria: GeneDx Variant Classification Process June 2021. Collection method: clinical testing. Allele origin: germline. Affected: yes.

Breakthrough Genomics
Classification: Benign. Review status: criteria provided, single submitter. Criteria: ACMG Guidelines, 2015. Collection method: not provided. Allele origin: germline. Inheritance: Autosomal dominant inheritance. Affected: yes.

PreventionGenetics, part of Exact Sciences
Classification: Benign for DNMT3A-related condition. Last evaluated: 2021-12-16. Review status: no assertion criteria provided. Collection method: clinical testing. Allele origin: germline. Not counted in ClinVar's aggregate classification.
Comment: This variant is classified as benign based on ACMG/AMP sequence variant interpretation guidelines (Richards et al. 2015 PMID: 25741868, with internal and published modifications).

NM_022552.5(DNMT3A):c.1170C>T (p.Ser390=)

Gene: DNMT3A (DNA methyltransferase 3 alpha; minus strand). Cytogenetic location: 2p23.3.
Variant type: single nucleotide variant.
Coding change: c.1170C>T on transcript NM_022552.5 (MANE Select); coding-DNA position 1170, C replaced by T.
Protein change: p.Ser390=; no amino-acid change (serine 390 retained).
Molecular consequence: synonymous variant. On other transcripts: non-coding transcript variant (1).
Genome position (GRCh38, 1-based): chr2:25,246,729, G>A on the plus strand (C>T on the coding strand, the complement: DNMT3A is on the minus strand). VCF-style: chr2-25246729-G-A. GRCh37 (hg19) VCF-style: chr2-25469598-G-A.
Other names: c.714C>T, p.Ser238= (NM_001320893.1); c.501C>T, p.Ser167= (NM_001375819.1); c.603C>T, p.Ser201= (NM_153759.3); c.1170C>T, p.Ser390= (NM_175629.2); c.1170C>T (NM_022552.3).
Identifiers: ClinVar variation 766915 (VCV000766915.34), dbSNP rs150182473, ClinGen allele CA1556115.